The following is an entry in ClinVar:

NM_024741.3(ZNF408):c.477G>T (p.Gln159His)

Gene: ZNF408 (zinc finger protein 408; plus strand). Cytogenetic location: 11p11.2.
Variant type: single nucleotide variant.
Coding change: c.477G>T on transcript NM_024741.3 (MANE Select); coding-DNA position 477, G replaced by T.
Protein change: p.Gln159His; replaces glutamine 159 with histidine.
Molecular consequence: missense variant.
Genome position (GRCh38, 1-based): chr11:46,703,068, G>T. VCF-style: chr11-46703068-G-T. GRCh37 (hg19) VCF-style: chr11-46724618-G-T.
Other names: c.453G>T, p.Gln151His (NM_001184751.2); short protein forms Q151H, Q159H.
Identifiers: ClinVar variation 1525193 (VCV001525193.8), dbSNP rs2134507597, ClinGen allele CA380252335.
Genomic context (GRCh38, chr11:46,703,068, plus strand): 5'-GAGTGAGGGAAATGTGGCCCCAGTGCGGATCAGCGAGAGGCTTCATCTGCAAGTGTACCA[G>T]CTGGTGCTGCCAGGCTCTGAACTGCTGCTGTGGCCCCAGCCTTCCTCTGAGGGCCCAAGT-3'
Protein context (NP_079017.1, residues 149-169): ISERLHLQVY[Gln159His]LVLPGSELLL

ClinVar aggregate classification (germline): Uncertain significance (1 of 4 stars; one submission).

Submission:

Labcorp Genetics (formerly Invitae), Labcorp
Classification: Uncertain significance. Last evaluated: 2020-11-04. Review status: criteria provided, single submitter. Criteria: Invitae Variant Classification Sherloc (09022015). Collection method: clinical testing. Allele origin: germline.
Comment: Algorithms developed to predict the effect of missense changes on protein structure and function are either unavailable or do not agree on the potential impact of this missense change (SIFT: "Deleterious"; PolyPhen-2: "Benign"; Align-GVGD: "Class C0"). This sequence change replaces glutamine with histidine at codon 159 of the ZNF408 protein (p.Gln159His). The glutamine residue is weakly conserved and there is a small physicochemical difference between glutamine and histidine. This variant is not present in population databases (ExAC no frequency). This variant has not been reported in the literature in individuals with ZNF408-related conditions. In summary, the available evidence is currently insufficient to determine the role of this variant in disease. Therefore, it has been classified as a Variant of Uncertain Significance.